The following is an entry in ClinVar:

NM_144997.7(FLCN):c.1424C>T (p.Ala475Val)

Gene: FLCN (folliculin; minus strand). Cytogenetic location: 17p11.2.
Variant type: single nucleotide variant.
Coding change: c.1424C>T on transcript NM_144997.7 (MANE Select); coding-DNA position 1424, C replaced by T.
Protein change: p.Ala475Val; replaces alanine 475 with valine.
Molecular consequence: missense variant.
Genome position (GRCh38, 1-based): chr17:17,215,193, G>A on the plus strand (C>T on the coding strand, the complement: FLCN is on the minus strand). VCF-style: chr17-17215193-G-A. GRCh37 (hg19) VCF-style: chr17-17118507-G-A.
Other names: c.1478C>T, p.Ala493Val (NM_001353229.2); c.1424C>T, p.Ala475Val (NM_001353230.2, NM_001353231.2); short protein forms A493V, A475V.
Identifiers: ClinVar variation 1417479 (VCV001417479.9), dbSNP rs2144836805, ClinGen allele CA398531097.

ClinVar aggregate classification (germline): Uncertain significance. Review status: criteria provided, multiple submitters, no conflicts (2 of 4 stars). 2 submissions from 2 submitters: Uncertain significance (2). Last evaluated 2025-11-13.

Conditions:
Hereditary cancer-predisposing syndrome. Also called: Hereditary neoplastic syndrome; Neoplastic Syndromes, Hereditary; Hereditary Cancer Syndrome; Tumor predisposition. Identifiers: Orphanet 140162, MedGen C0027672, MeSH D009386, MONDO:0015356.
Birt-Hogg-Dube syndrome. Also called: Birt Hogg Dubé syndrome. Identifiers: Orphanet 122, MedGen C0346010, MONDO:0800444.

Allele frequency attached by ClinVar (database versions not stated): gnomAD exomes below 0.00001.
gnomAD v4.1: 2 of 1,614,160 alleles (0.00012%); highest among the groups gnomAD compares: Non-Finnish European, 0.00017%; no homozygotes.

Submissions (2):

Labcorp Genetics (formerly Invitae), Labcorp
Classification: Uncertain significance for Birt-Hogg-Dube syndrome. Last evaluated: 2025-11-13. Review status: criteria provided, single submitter. Criteria: Invitae Variant Classification Sherloc (09022015). Collection method: clinical testing. Allele origin: germline.
Comment: This sequence change replaces alanine, which is neutral and non-polar, with valine, which is neutral and non-polar, at codon 475 of the FLCN protein (p.Ala475Val). This variant is not present in population databases (gnomAD no frequency). This variant has not been reported in the literature in individuals affected with FLCN-related conditions. ClinVar contains an entry for this variant (Variation ID: 1417479). Invitae Evidence Modeling of protein sequence and biophysical properties (such as structural, functional, and spatial information, amino acid conservation, physicochemical variation, residue mobility, and thermodynamic stability) indicates that this missense variant is not expected to disrupt FLCN protein function with a negative predictive value of 80%. In summary, the available evidence is currently insufficient to determine the role of this variant in disease. Therefore, it has been classified as a Variant of Uncertain Significance.

Ambry Genetics
Classification: Uncertain significance for Hereditary cancer-predisposing syndrome. Last evaluated: 2025-08-10. Review status: criteria provided, single submitter. Criteria: Ambry Variant Classification Scheme 2023. Collection method: clinical testing. Allele origin: germline.
Comment: The p.A475V variant (also known as c.1424C>T), located in coding exon 9 of the FLCN gene, results from a C to T substitution at nucleotide position 1424. The alanine at codon 475 is replaced by valine, an amino acid with similar properties. This amino acid position is conserved. In addition, this alteration is predicted to be tolerated by in silico analysis. Since supporting evidence is limited at this time, the clinical significance of this alteration remains unclear.